The following is an entry in ClinVar:

NM_014263.4(YME1L1):c.928C>G (p.Leu310Val)

Gene: YME1L1 (YME1 like 1 ATPase; minus strand). Cytogenetic location: 10p12.1.
Variant type: single nucleotide variant.
Coding change: c.928C>G on transcript NM_014263.4 (MANE Select); coding-DNA position 928, C replaced by G.
Protein change: p.Leu310Val; replaces leucine 310 with valine.
Molecular consequence: missense variant.
Genome position (GRCh38, 1-based): chr10:27,126,717, G>C on the plus strand (C>G on the coding strand, the complement: YME1L1 is on the minus strand). VCF-style: chr10-27126717-G-C. GRCh37 (hg19) VCF-style: chr10-27415646-G-C.
Other names: c.829C>G, p.Leu277Val (NM_001253866.2); c.1099C>G, p.Leu367Val (NM_139312.3); short protein forms L367V, L310V, L277V.
Identifiers: ClinVar variation 1950657 (VCV001950657.5), dbSNP rs2539432877, ClinGen allele CA376373188.
Genomic context (GRCh38, chr10:27,126,717, plus strand): 5'-TTTTTTCCATCAAATCATGATAAAGAAAAGATATCTTACCTTTTGGAAGTTTACCTCCAA[G>C]AATAGTAAATTTTTGTGGATTTTTCAAGAATTCAACAACTTCCTGTAATTCTTGTTTAGC-3'
Protein context (NP_055078.1, residues 300-320): FLKNPQKFTI[Leu310Val]GGKLPKGILL

ClinVar aggregate classification (germline): Uncertain significance (1 of 4 stars; one submission).

Submission:

Labcorp Genetics (formerly Invitae), Labcorp
Classification: Uncertain significance. Last evaluated: 2022-12-06. Review status: criteria provided, single submitter. Criteria: Invitae Variant Classification Sherloc (09022015). Collection method: clinical testing. Allele origin: germline.
Comment: In summary, the available evidence is currently insufficient to determine the role of this variant in disease. Therefore, it has been classified as a Variant of Uncertain Significance. Algorithms developed to predict the effect of missense changes on protein structure and function (SIFT, PolyPhen-2, Align-GVGD) all suggest that this variant is likely to be disruptive. This variant has not been reported in the literature in individuals affected with YME1L1-related conditions. This variant is not present in population databases (gnomAD no frequency). This sequence change replaces leucine, which is neutral and non-polar, with valine, which is neutral and non-polar, at codon 367 of the YME1L1 protein (p.Leu367Val).